The following is an entry in ClinVar:

NM_001211.6(BUB1B):c.1745C>T (p.Thr582Ile)

Gene: BUB1B (BUB1 mitotic checkpoint serine/threonine kinase B; plus strand). Cytogenetic location: 15q15.1.
Variant type: single nucleotide variant.
Coding change: c.1745C>T on transcript NM_001211.6 (MANE Select); coding-DNA position 1745, C replaced by T.
Protein change: p.Thr582Ile; replaces threonine 582 with isoleucine.
Molecular consequence: missense variant.
Genome position (GRCh38, 1-based): chr15:40,206,194, C>T. VCF-style: chr15-40206194-C-T. GRCh37 (hg19) VCF-style: chr15-40498395-C-T.
Other names: short protein forms T582I.
Identifiers: ClinVar variation 1779279 (VCV001779279.2), dbSNP rs2542564610, ClinGen allele CA391692171.
Genomic context (GRCh38, chr15:40,206,194, plus strand): 5'-CTTCATGTATTGAAATATTTTAGCTAAACTTTATATGGTCTTTATTTCAGGATGAATTTA[C>T]AGGAATTGAACCCTTGAGCGAGGATGCCATTATCACAGGCTTCAGAAATGTAACAATTTG-3'
Protein context (NP_001202.5, residues 572-592): DVSPDVCDEF[Thr582Ile]GIEPLSEDAI

ClinVar aggregate classification (germline): Uncertain significance (1 of 4 stars; one submission).

Conditions:
Inborn genetic diseases. Identifiers: MedGen C0950123, MeSH D030342.

Allele frequency attached by ClinVar (database versions not stated): gnomAD exomes below 0.00001.
gnomAD v4.1: 3 of 1,614,114 alleles (0.00019%); highest among the groups gnomAD compares: African/African-American, 0.0013%; no homozygotes.

Submission:

Ambry Genetics
Classification: Uncertain significance for Inborn genetic diseases. Last evaluated: 2024-03-10. Review status: criteria provided, single submitter. Criteria: Ambry Variant Classification Scheme 2023. Collection method: clinical testing. Allele origin: germline.
Comment: The p.T582I variant (also known as c.1745C>T), located in coding exon 15 of the BUB1B gene, results from a C to T substitution at nucleotide position 1745. The threonine at codon 582 is replaced by isoleucine, an amino acid with similar properties. This amino acid position is conserved. In addition, this alteration is predicted to be tolerated by in silico analysis. Since supporting evidence is limited at this time, the clinical significance of this alteration remains unclear.